The following is an entry in ClinVar:

ClinVar aggregate classification (germline): Uncertain significance (1 of 4 stars; one submission).

Conditions:
Dilated cardiomyopathy 1DD (CMD1DD). Identifiers: Orphanet 154, MedGen C2750995, MONDO:0013168, OMIM 613172.

Submission:

Labcorp Genetics (formerly Invitae), Labcorp
Classification: Uncertain significance for Dilated cardiomyopathy 1DD. Last evaluated: 2015-11-23. Review status: criteria provided, single submitter. Criteria: Invitae Variant Classification Sherloc (09022015). Collection method: clinical testing. Allele origin: germline.
Comment: This sequence change replaces alanine with valine at codon 504 of the RBM20 protein (p.Ala504Val). The alanine residue is weakly conserved and there is a small physicochemical difference between alanine and valine. This variant is not present in population databases (ExAC no frequency) and has not been reported in the literature. In summary, this is a novel missense change with uncertain impact on protein function. It has been classified as a Variant of Uncertain Significance. Algorithms developed to predict the effect of missense changes on protein structure and function do not agree on the potential impact of this missense change (SIFT: "Deleterious"; PolyPhen-2: "Benign"; Align-GVGD: "Class C0").

NM_001134363.3(RBM20):c.1511C>T (p.Ala504Val)

Gene: RBM20 (RNA binding motif protein 20; plus strand). Cytogenetic location: 10q25.2.
Variant type: single nucleotide variant.
Coding change: c.1511C>T on transcript NM_001134363.3 (MANE Select); coding-DNA position 1511, C replaced by T.
Protein change: p.Ala504Val; replaces alanine 504 with valine.
Molecular consequence: missense variant.
Genome position (GRCh38, 1-based): chr10:110,784,873, C>T. VCF-style: chr10-110784873-C-T. GRCh37 (hg19) VCF-style: chr10-112544631-C-T.
Other names: short protein forms A504V.
Identifiers: ClinVar variation 238544 (VCV000238544.8), dbSNP rs878854249, ClinGen allele CA10582702.